The following is an entry in ClinVar:

NM_013339.4(ALG6):c.1452C>T (p.Phe484=)

Gene: ALG6 (ALG6 alpha-1,3-glucosyltransferase; plus strand). Cytogenetic location: 1p31.3.
Variant type: single nucleotide variant.
Coding change: c.1452C>T on transcript NM_013339.4 (MANE Select); coding-DNA position 1452, C replaced by T.
Protein change: p.Phe484=; no amino-acid change (phenylalanine 484 retained).
Molecular consequence: synonymous variant.
Genome position (GRCh38, 1-based): chr1:63,436,948, C>T. VCF-style: chr1-63436948-C-T. GRCh37 (hg19) VCF-style: chr1-63902619-C-T.
Other names: c.1452C>T, p.Phe484= (LRG_1260t1).
Identifiers: ClinVar variation 517818 (VCV000517818.16), dbSNP rs150298974, ClinGen allele CA888455.
Genomic context (GRCh38, chr1:63,436,948, plus strand): 5'-GAAACTACCGGACTTGTTTTCTGTATTGGTGTGTTTTGTATCTTGCTTGAACTTCCTGTT[C>T]TTCTTGGTATACTTTAACATTATTATTATGTGGGATTCCAAAAGTGGAAGAAATCAGAAG-3'
Protein context (NP_037471.2, residues 474-494): VCFVSCLNFL[Phe484=]FLVYFNIIIM

ClinVar aggregate classification (germline): Benign/Likely benign. Review status: criteria provided, multiple submitters, no conflicts (2 of 4 stars). 4 submissions from 4 submitters: Benign (2); Likely benign (2). Last evaluated 2026-02-01.

Conditions:
ALG6-congenital disorder of glycosylation 1C (CDG1C). Also called: CDG Ic; Congenital disorder of glycosylation, type Ic; CARBOHYDRATE-DEFICIENT GLYCOPROTEIN SYNDROME, TYPE I, WITH DEFICIENT GLYCOSYLATION OF DOLICHOL-LINKED OLIGOSACCHARIDE; CARBOHYDRATE-DEFICIENT GLYCOPROTEIN SYNDROME, TYPE V; Congenital disorder of glycosylation type 1C. Identifiers: Orphanet 79320, MedGen C2930997, MONDO:0011291, OMIM 603147.

Allele frequency attached by ClinVar (database versions not stated): gnomAD 0.00044; TOPMed 0.00101; 1000 Genomes Project 30x 0.00203; 1000 Genomes Project 0.00260.
gnomAD v4.1: 727 of 1,613,642 alleles (0.045%); highest among the groups gnomAD compares: East Asian, 1.5%; 5 homozygotes.

Submissions (4):

Labcorp Genetics (formerly Invitae), Labcorp
Classification: Benign for ALG6-congenital disorder of glycosylation 1C. Last evaluated: 2026-02-01. Review status: criteria provided, single submitter. Criteria: Invitae Variant Classification Sherloc (09022015). Collection method: clinical testing. Allele origin: germline.

ARUP Laboratories, Molecular Genetics and Genomics, ARUP Laboratories
Classification: Benign for ALG6-congenital disorder of glycosylation 1C. Last evaluated: 2025-07-15. Review status: criteria provided, single submitter. Criteria: ARUP Molecular Germline Variant Investigation Process 2024. Collection method: clinical testing. Allele origin: germline.

Illumina Laboratory Services, Illumina
Classification: Likely benign for ALG6-congenital disorder of glycosylation 1C. Last evaluated: 2018-01-12. Review status: criteria provided, single submitter. Criteria: ICSL Variant Classification Criteria 13 December 2019. Collection method: clinical testing. Allele origin: germline.
Comment: This variant was observed in the ICSL laboratory as part of a predisposition screen in an ostensibly healthy population. It had not been previously curated by ICSL or reported in the Human Gene Mutation Database (HGMD: prior to June 1st, 2018), and was therefore a candidate for classification through an automated scoring system. Utilizing variant allele frequency, disease prevalence and penetrance estimates, and inheritance mode, an automated score was calculated to assess if this variant is too frequent to cause the disease. Based on the score and internal cut-off values, a variant classified as likely benign is not then subjected to further curation. The score for this variant resulted in a classification of likely benign for this disease.

GeneDx
Classification: Likely benign. Last evaluated: 2017-03-24. Review status: criteria provided, single submitter. Criteria: GeneDx Variant Classification (06012015). Collection method: clinical testing. Allele origin: germline. Affected: yes.
Comment: This variant is considered likely benign or benign based on one or more of the following criteria: it is a conservative change, it occurs at a poorly conserved position in the protein, it is predicted to be benign by multiple in silico algorithms, and/or has population frequency not consistent with disease.